The following is an entry in ClinVar:

NM_053025.4(MYLK):c.1490C>G (p.Ser497Cys)

Gene: MYLK (myosin light chain kinase; minus strand). Cytogenetic location: 3q21.1.
Variant type: single nucleotide variant.
Coding change: c.1490C>G on transcript NM_053025.4 (MANE Select); coding-DNA position 1490, C replaced by G.
Protein change: p.Ser497Cys; replaces serine 497 with cysteine.
Molecular consequence: missense variant. On other transcripts: intron variant (2).
Genome position (GRCh38, 1-based): chr3:123,732,922, G>C on the plus strand (C>G on the coding strand, the complement: MYLK is on the minus strand). VCF-style: chr3-123732922-G-C. GRCh37 (hg19) VCF-style: chr3-123451769-G-C.
Other names: c.962C>G, p.Ser321Cys (NM_001321309.2); c.1490C>G, p.Ser497Cys (NM_053027.4); c.1309+765C>G (NM_053028.4, NM_053026.4); short protein forms S497C, S321C.
Identifiers: ClinVar variation 3635786 (VCV003635786.2).

ClinVar aggregate classification (germline): Uncertain significance (1 of 4 stars; one submission).

Conditions:
Aortic aneurysm, familial thoracic 7 (AAT7). Also called: AORTIC DISSECTION, FAMILIAL, WITH OR WITHOUT AORTIC ANEURYSM. Identifiers: MedGen C3151077, MONDO:0013418, OMIM 613780.

Submission:

Labcorp Genetics (formerly Invitae), Labcorp
Classification: Uncertain significance for Aortic aneurysm, familial thoracic 7. Last evaluated: 2024-08-01. Review status: criteria provided, single submitter. Criteria: Invitae Variant Classification Sherloc (09022015). Collection method: clinical testing. Allele origin: germline.
Comment: This sequence change replaces serine, which is neutral and polar, with cysteine, which is neutral and slightly polar, at codon 497 of the MYLK protein (p.Ser497Cys). This variant is not present in population databases (gnomAD no frequency). This variant has not been reported in the literature in individuals affected with MYLK-related conditions. Advanced modeling of protein sequence and biophysical properties (such as structural, functional, and spatial information, amino acid conservation, physicochemical variation, residue mobility, and thermodynamic stability) performed at Invitae indicates that this missense variant is not expected to disrupt MYLK protein function with a negative predictive value of 95%. In summary, the available evidence is currently insufficient to determine the role of this variant in disease. Therefore, it has been classified as a Variant of Uncertain Significance.